The following is an entry in ClinVar:

ClinVar aggregate classification (germline): Uncertain significance (1 of 4 stars; one submission).

Submission:

Labcorp Genetics (formerly Invitae), Labcorp
Classification: Uncertain significance. Last evaluated: 2025-12-26. Review status: criteria provided, single submitter. Criteria: Invitae Variant Classification Sherloc (09022015). Collection method: clinical testing. Allele origin: germline.
Comment: This sequence change creates a premature translational stop signal (p.Ala2041Serfs*14) in the DSCAML1 gene. While this is not anticipated to result in nonsense mediated decay, it is expected to disrupt the last 73 amino acid(s) of the DSCAML1 protein. The frequency data for this variant in the population databases is considered unreliable, as metrics indicate poor data quality at this position in the gnomAD database. This variant has not been reported in the literature in individuals affected with DSCAML1-related conditions. Experimental studies and prediction algorithms are not available or were not evaluated, and the functional significance of this variant is currently unknown. In summary, the available evidence is currently insufficient to determine the role of this variant in disease. Therefore, it has been classified as a Variant of Uncertain Significance.

NM_020693.4(DSCAML1):c.5939dup (p.Ala1981fs)

Gene: DSCAML1 (DS cell adhesion molecule like 1; minus strand). Cytogenetic location: 11q23.3.
Variant type: Duplication.
Coding change: c.5939dup on transcript NM_020693.4 (MANE Select); coding-DNA position 5939, one base duplicated (C; older notation c.5939dupC).
Protein change: p.Ala1981fs; shifts the reading frame from alanine 1981.
Molecular consequence: frameshift variant.
Genome position (GRCh38, 1-based): chr11:117,428,551, G duplicated on the plus strand (C on the coding strand, the reverse complement: DSCAML1 is on the minus strand); the first of 7 consecutive G bases (chr11:117,428,551-117,428,557); duplicating any one gives the same sequence. VCF-style (leftmost placement, unchanged base first): chr11-117428550-T-TG. GRCh37 (hg19) VCF-style: chr11-117299266-T-TG.
Other names: short protein forms A1981fs.
Identifiers: ClinVar variation 4777175 (VCV004777175.1).